The following is an entry in ClinVar:

NM_032444.4(SLX4):c.3139G>A (p.Gly1047Arg)

Gene: SLX4 (SLX4 structure-specific endonuclease subunit; minus strand). Cytogenetic location: 16p13.3.
Variant type: single nucleotide variant.
Coding change: c.3139G>A on transcript NM_032444.4 (MANE Select); coding-DNA position 3139, G replaced by A.
Protein change: p.Gly1047Arg; replaces glycine 1047 with arginine.
Molecular consequence: missense variant.
Genome position (GRCh38, 1-based): chr16:3,590,499, C>T on the plus strand (G>A on the coding strand, the complement: SLX4 is on the minus strand). VCF-style: chr16-3590499-C-T. GRCh37 (hg19) VCF-style: chr16-3640500-C-T.
Other names: short protein forms G1047R.
Identifiers: ClinVar variation 1488788 (VCV001488788.7), dbSNP rs561815282, ClinGen allele CA7865983.

ClinVar aggregate classification (germline): Uncertain significance (1 of 4 stars; one submission).

Conditions:
Fanconi anemia (FA). Also called: Fanconi's anemia. Identifiers: Orphanet 84, MedGen C0015625, MeSH D005199, MONDO:0019391.

Allele frequency attached by ClinVar (database versions not stated): gnomAD exomes below 0.00001 and 0.00001; ExAC 0.00001; gnomAD 0.00001; TOPMed 0.00001.
gnomAD v4.1: 15 of 1,613,638 alleles (0.00093%); highest among the groups gnomAD compares: Non-Finnish European, 0.0012%; no homozygotes.

Submission:

Labcorp Genetics (formerly Invitae), Labcorp
Classification: Uncertain significance for Fanconi anemia. Last evaluated: 2025-04-09. Review status: criteria provided, single submitter. Criteria: Invitae Variant Classification Sherloc (09022015). Collection method: clinical testing. Allele origin: germline.
Comment: This sequence change replaces glycine, which is neutral and non-polar, with arginine, which is basic and polar, at codon 1047 of the SLX4 protein (p.Gly1047Arg). This variant is present in population databases (rs561815282, gnomAD 0.0009%). This variant has not been reported in the literature in individuals affected with SLX4-related conditions. ClinVar contains an entry for this variant (Variation ID: 1488788). An algorithm developed to predict the effect of missense changes on protein structure and function (PolyPhen-2) suggests that this variant is likely to be tolerated. In summary, the available evidence is currently insufficient to determine the role of this variant in disease. Therefore, it has been classified as a Variant of Uncertain Significance.